The following is an entry in ClinVar:

ClinVar aggregate classification (germline): Likely benign. Review status: criteria provided, multiple submitters, no conflicts (2 of 4 stars). 2 submissions from 2 submitters: Likely benign (2). Last evaluated 2024-08-13.

Conditions:
Malignant hyperthermia, susceptibility to, 1 (MHS1). Also called: Anesthesia related hyperthermia; Malignant hyperpyrexia; Fulminating hyperpyrexia; Pharmacogenic myopathy; RYR1-Related Malignant Hyperthermia Susceptibility; Malignant hyperthermia suceptibility 1. Identifiers: Orphanet 423, MedGen C2930980, MONDO:0007783, OMIM 145600.
RYR1-related disorder. Also called: RYR1-related condition; RYR1-related disorders. Identifiers: MedGen CN239331.

Allele frequency attached by ClinVar (database versions not stated): gnomAD 0.00001; gnomAD exomes 0.00001; TOPMed 0.00001.
gnomAD v4.1: 13 of 1,412,644 alleles (0.00092%); highest among the groups gnomAD compares: African/African-American, 0.0015%; no homozygotes.

Submissions (2):

All of Us Research Program, National Institutes of Health
Classification: Likely benign for Malignant hyperthermia, susceptibility to, 1. Last evaluated: 2024-08-13. Review status: criteria provided, single submitter. Criteria: ACMG Guidelines, 2015. Collection method: clinical testing. Allele origin: germline. Inheritance: Autosomal dominant inheritance. Observed: 6 variant alleles, 6 heterozygotes.
Comment: This study involves interpretation of variants in research participants for the purpose of population health screening. Participant phenotype was not available at the time of variant classification. Additional details can be found in publication PMID: 35346344, PMCID: PMC8962531

Labcorp Genetics (formerly Invitae), Labcorp
Classification: Likely benign for RYR1-related disorder. Last evaluated: 2024-06-09. Review status: criteria provided, single submitter. Criteria: Invitae Variant Classification Sherloc (09022015). Collection method: clinical testing. Allele origin: germline.

NM_000540.3(RYR1):c.13419C>T (p.Ile4473=)

Gene: RYR1 (ryanodine receptor 1; plus strand). Cytogenetic location: 19q13.2.
Variant type: single nucleotide variant.
Coding change: c.13419C>T on transcript NM_000540.3 (MANE Select); coding-DNA position 13419, C replaced by T.
Protein change: p.Ile4473=; no amino-acid change (isoleucine 4473 retained).
Molecular consequence: synonymous variant.
Genome position (GRCh38, 1-based): chr19:38,565,753, C>T. VCF-style: chr19-38565753-C-T. GRCh37 (hg19) VCF-style: chr19-39056393-C-T.
Other names: c.13404C>T, p.Ile4468= (NM_001042723.2).
Identifiers: ClinVar variation 1147498 (VCV001147498.11), dbSNP rs1028389242, ClinGen allele CA308109735.
Genomic context (GRCh38, chr19:38,565,753, plus strand): 5'-TCTCGGGGACATGGGGGACACGACGCCTGCGGAACCGCCCACACCCGAGGGCTCTCCCAT[C>T]CTCAAGAGGAAATTGGGGGTGAGAGAGCAGGCGGGGTTTTGGGGTTTTGGAAAGATGGGG-3'
Protein context (NP_000531.2, residues 4463-4483): AEPPTPEGSP[Ile4473=]LKRKLGVDGV